The following is an entry in ClinVar:

ClinVar aggregate classification (germline): Likely benign (1 of 4 stars; one submission).

gnomAD v4.1: 44 of 1,548,398 alleles (0.0028%); highest among the groups gnomAD compares: African/African-American, 0.057%; no homozygotes.

Submission:

CeGaT Center for Human Genetics Tuebingen
Classification: Likely benign. Last evaluated: 2025-11-01. Review status: criteria provided, single submitter. Criteria: CeGaT Center For Human Genetics Tuebingen Variant Classification Criteria Version 2. Collection method: clinical testing. Allele origin: germline. Affected: yes. Observed: 1 variant allele.
Comment: VPS16: BP4, BP7

NM_022575.4(VPS16):c.18G>A (p.Ala6=)

Genes: PCED1A (PC-esterase domain containing 1A; minus strand), VPS16 (VPS16 core subunit of CORVET and HOPS complexes; plus strand). Cytogenetic location: 20p13.
Variant type: single nucleotide variant.
Coding change: c.18G>A on transcript NM_022575.4 (MANE Select); coding-DNA position 18, G replaced by A.
Protein change: p.Ala6=; no amino-acid change (alanine 6 retained).
Molecular consequence: synonymous variant. On other transcripts: intron variant (1).
Genome position (GRCh38, 1-based): chr20:2,840,792, G>A. VCF-style: chr20-2840792-G-A. GRCh37 (hg19) VCF-style: chr20-2821438-G-A.
Other names: c.18G>A, p.Ala6= (NM_080413.3); c.-22+74C>T (NM_001271168.2).
Identifiers: ClinVar variation 4534731 (VCV004534731.6).
Genomic context (GRCh38, chr20:2,840,792, plus strand): 5'-TGGGTGTCCCCTCGGTGCTTCCCAGCTGCCGTCTGCACCAGCCATGGACTGCTACACGGC[G>A]AACTGGAACCCACTCGGGGACTCTGCCTTTTACCGGTGAGCTGCCCCGCCCTCCCGCCCA-3'
Protein context (NP_072097.2, residues 1-16): MDCYT[Ala6=]NWNPLGDSAF